The following is an entry in ClinVar:

ClinVar aggregate classification (germline): Likely pathogenic (1 of 4 stars; one submission).

Conditions:
Classic homocystinuria. Also called: Homocystinuria due to Cystathionine Beta-Synthase Deficiency; HOMOCYSTINURIA WITH OR WITHOUT RESPONSE TO PYRIDOXINE; Homocystinuria due to CBS deficiency; Cystathionine beta-synthase deficiency; CBS deficiency. Identifiers: Orphanet 394, MedGen C0751202, MONDO:0009352, OMIM 236200.

Submission:

Laboratory for Molecular Medicine, Mass General Brigham Personalized Medicine
Classification: Likely pathogenic for Classic homocystinuria. Last evaluated: 2022-11-03. Review status: criteria provided, single submitter. Criteria: ACMG Guidelines, 2015. Collection method: clinical testing. Allele origin: germline.
Comment: The c.1039+2T>G variant in CBS has not been reported in individuals with disease and was absent from large population studies. This variant occurs within the canonical splice site (+/- 1,2) and is predicted to cause altered splicing leading to an abnormal or absent protein. Loss of function of the CBS gene is an established disease mechanism in autosomal recessive Homocystinuria, B6-responsive and nonresponsive types. In summary, although additional studies are required to fully establish its clinical significance, this variant meets criteria to be classified as likely pathogenic for autosomal recessive Homocystinuria, B6-responsive and nonresponsive types. ACMG/AMP Criteria applied: PM2_Supporting, PVS1.

NM_000071.3(CBS):c.1039+2T>G

Gene: CBS (cystathionine beta-synthase; minus strand). Cytogenetic location: 21q22.3.
Variant type: single nucleotide variant.
Coding change: c.1039+2T>G on transcript NM_000071.3 (MANE Select); the canonical splice donor site of the intron after coding-DNA position 1039, T replaced by G.
Molecular consequence: splice donor variant.
Genome position (GRCh38, 1-based): chr21:43,062,309, A>C on the plus strand (T>G on the coding strand, the complement: CBS is on the minus strand). VCF-style: chr21-43062309-A-C. GRCh37 (hg19) VCF-style: chr21-44482419-A-C.
Other names: c.1039+2T>G (NM_001320298.2, NM_001178009.3, NM_001178008.3); c.724+2T>G (NM_001321072.1).
Identifiers: ClinVar variation 3075895 (VCV003075895.1), dbSNP rs2517424159, ClinGen allele CA410599728.